The following is an entry in ClinVar:

ClinVar aggregate classification (germline): Uncertain significance (1 of 4 stars; one submission).

Allele frequency attached by ClinVar (database versions not stated): gnomAD exomes below 0.00001; TOPMed below 0.00001.
gnomAD v4.1: 3 of 1,611,684 alleles (0.00019%); highest among the groups gnomAD compares: Non-Finnish European, 0.00025%; no homozygotes.

Submission:

CeGaT Center for Human Genetics Tuebingen
Classification: Uncertain significance. Last evaluated: 2022-05-01. Review status: criteria provided, single submitter. Criteria: CeGaT Center For Human Genetics Tuebingen Variant Classification Criteria Version 2. Collection method: clinical testing. Allele origin: germline. Affected: yes. Observed: 1 variant allele.
Comment: SMARCD3: PM2

NM_001003801.2(SMARCD3):c.70C>T (p.His24Tyr)

Gene: SMARCD3 (SWI/SNF related BAF chromatin remodeling complex subunit D3; minus strand). Cytogenetic location: 7q36.1.
Variant type: single nucleotide variant.
Coding change: c.70C>T on transcript NM_001003801.2 (MANE Select); coding-DNA position 70, C replaced by T.
Protein change: p.His24Tyr; replaces histidine 24 with tyrosine.
Molecular consequence: missense variant. On other transcripts: intron variant (2).
Genome position (GRCh38, 1-based): chr7:151,248,493, G>A on the plus strand (C>T on the coding strand, the complement: SMARCD3 is on the minus strand). VCF-style: chr7-151248493-G-A. GRCh37 (hg19) VCF-style: chr7-150945579-G-A.
Other names: c.40-2822C>T (NM_003078.4, NM_001003802.2); short protein forms H24Y.
Identifiers: ClinVar variation 2658189 (VCV002658189.24), dbSNP rs1377008495, ClinGen allele CA370068660.